The following is an entry in ClinVar:

ClinVar aggregate classification (germline): Likely benign. Review status: criteria provided, single submitter (1 of 4 stars). 2 submissions from 2 submitters: Likely benign (1). 1 of the submissions does not count toward it. Last evaluated 2023-02-24.

Conditions:
RBCK1-related disorder. Also called: RBCK1-related condition.

Allele frequency attached by ClinVar (database versions not stated): TOPMed below 0.00001; gnomAD 0.00001; gnomAD exomes 0.00001.
gnomAD v4.1: 5 of 1,606,636 alleles (0.00031%); highest among the groups gnomAD compares: Non-Finnish European, 0.00042%; no homozygotes.

Submissions (2):

Blueprint Genetics
Classification: Likely benign. Last evaluated: 2023-02-24. Review status: criteria provided, single submitter. Criteria: ACMG Guidelines, 2015. Collection method: clinical testing. Allele origin: germline.

PreventionGenetics, part of Exact Sciences
Classification: Likely benign for RBCK1-related condition. Last evaluated: 2022-08-26. Review status: no assertion criteria provided. Collection method: clinical testing. Allele origin: germline. Not counted in ClinVar's aggregate classification.
Comment: This variant is classified as likely benign based on ACMG/AMP sequence variant interpretation guidelines (Richards et al. 2015 PMID: 25741868, with internal and published modifications).

NM_031229.4(RBCK1):c.583-3C>T

Gene: RBCK1 (RANBP2-type and C3HC4-type zinc finger containing 1; plus strand). Cytogenetic location: 20p13.
Variant type: single nucleotide variant.
Coding change: c.583-3C>T on transcript NM_031229.4 (MANE Select); 3 bases into the intron before coding-DNA position 583, C replaced by T.
Molecular consequence: intron variant.
Genome position (GRCh38, 1-based): chr20:419,555, C>T. VCF-style: chr20-419555-C-T. GRCh37 (hg19) VCF-style: chr20-400199-C-T.
Other names: c.634-3C>T (NM_001410770.1); c.234-3C>T (NM_001323956.2, NM_001323958.2); c.457-3C>T (NM_006462.6).
Identifiers: ClinVar variation 3054380 (VCV003054380.3), dbSNP rs1169837697, ClinGen allele CA634325872.